The following is an entry in ClinVar:

ClinVar aggregate classification (germline): Pathogenic (1 of 4 stars; one submission).

Submission:

GeneDx
Classification: Pathogenic. Last evaluated: 2022-08-30. Review status: criteria provided, single submitter. Criteria: GeneDx Variant Classification Process June 2021. Collection method: clinical testing. Allele origin: germline. Affected: yes.
Comment: Frameshift variant predicted to result in protein truncation or nonsense mediated decay in a gene for which loss-of-function is a known mechanism of disease; Not observed in large population cohorts (gnomAD); Has not been previously published as pathogenic or benign to our knowledge

NM_013275.6(ANKRD11):c.4621_4624del (p.Glu1541fs)

Gene: ANKRD11 (ankyrin repeat domain containing 11; minus strand). Cytogenetic location: 16q24.3.
Variant type: Microsatellite.
Coding change: c.4621_4624del on transcript NM_013275.6 (MANE Select); coding-DNA positions 4621 to 4624, 4 bases deleted (GAAA; older notation c.4621_4624delGAAA).
Protein change: p.Glu1541fs; shifts the reading frame from glutamic acid 1541.
Molecular consequence: frameshift variant.
Genome position (GRCh38, 1-based): chr16:89,281,918-89,281,921, TTTC deleted on the plus strand (GAAA on the coding strand, the reverse complement: ANKRD11 is on the minus strand); deleting any 4 consecutive bases within chr16:89,281,918-89,281,926 gives the same sequence; the c. name uses the placement nearest the transcript's 3' end. VCF-style (leftmost placement, unchanged base first): chr16-89281917-TTTTC-T. GRCh37 (hg19) VCF-style: chr16-89348325-TTTTC-T.
Other names: c.4621_4624del, p.Glu1541fs (NM_001256182.2, NM_001256183.2); short protein forms E1541fs.
Identifiers: ClinVar variation 1704140 (VCV001704140.2), dbSNP rs2544231831, ClinGen allele CA2580613974.
Genomic context (GRCh38, chr16:89,281,917, plus strand): 5'-CCTGGGTCTTTGGATGGCGCTACCTTATCATTCCCGTTGCTCATCTTCACTGGGTCGCCC[TTTTC>T]TTTCTCTGCACCGTCCTTGAATTTCTCCTTCAGTTTGGCATCGCCGAGCCTCGGGCCCTC-3'